The following is an entry in ClinVar:

NM_004963.4(GUCY2C):c.2339A>G (p.Glu780Gly)

Gene: GUCY2C (guanylate cyclase 2C; minus strand). Cytogenetic location: 12p12.3.
Variant type: single nucleotide variant.
Coding change: c.2339A>G on transcript NM_004963.4 (MANE Select); coding-DNA position 2339, A replaced by G.
Protein change: p.Glu780Gly; replaces glutamic acid 780 with glycine.
Molecular consequence: missense variant.
Genome position (GRCh38, 1-based): chr12:14,625,826, T>C on the plus strand (A>G on the coding strand, the complement: GUCY2C is on the minus strand). VCF-style: chr12-14625826-T-C. GRCh37 (hg19) VCF-style: chr12-14778760-T-C.
Other names: short protein forms E780G.
Identifiers: ClinVar variation 2124400 (VCV002124400.4), dbSNP rs2497633911, ClinGen allele CA383997361.

ClinVar aggregate classification (germline): Uncertain significance (1 of 4 stars; one submission).

Submission:

Labcorp Genetics (formerly Invitae), Labcorp
Classification: Uncertain significance. Last evaluated: 2022-04-10. Review status: criteria provided, single submitter. Criteria: Invitae Variant Classification Sherloc (09022015). Collection method: clinical testing. Allele origin: germline.
Comment: This sequence change replaces glutamic acid, which is acidic and polar, with glycine, which is neutral and non-polar, at codon 780 of the GUCY2C protein (p.Glu780Gly). This variant is not present in population databases (gnomAD no frequency). This variant has not been reported in the literature in individuals affected with GUCY2C-related conditions. Algorithms developed to predict the effect of missense changes on protein structure and function are either unavailable or do not agree on the potential impact of this missense change (SIFT: "Deleterious"; PolyPhen-2: "Possibly Damaging"; Align-GVGD: "Class C0"). In summary, the available evidence is currently insufficient to determine the role of this variant in disease. Therefore, it has been classified as a Variant of Uncertain Significance.